The following is an entry in ClinVar:

ClinVar aggregate classification (germline): Conflicting classifications of pathogenicity. Review status: criteria provided, conflicting classifications (1 of 4 stars). 2 submissions from 2 submitters: Uncertain significance (1); Likely benign (1). Last evaluated 2023-03-09.

Conditions:
TRAP1-related disorder. Also called: TRAP1-related condition.

Allele frequency attached by ClinVar (database versions not stated): gnomAD 0.00001; ExAC 0.00001; TOPMed 0.00002.
gnomAD v4.1: 9 of 1,613,948 alleles (0.00056%); highest among the groups gnomAD compares: South Asian, 0.0011%; no homozygotes.

Submissions (2):

PreventionGenetics, part of Exact Sciences
Classification: Uncertain significance for TRAP1-related condition. Last evaluated: 2023-03-09. Review status: criteria provided, single submitter. Criteria: ACMG Guidelines, 2015. Collection method: clinical testing. Allele origin: germline.
Comment: The TRAP1 c.1945G>A variant is predicted to result in the amino acid substitution p.Ala649Thr. To our knowledge, this variant has not been reported in the literature. This variant is reported in 0.0029% of alleles in individuals of Latino descent in gnomAD. At this time, the clinical significance of this variant is uncertain due to the absence of conclusive functional and genetic evidence.

Ambry Genetics
Classification: Likely benign. Last evaluated: 2022-09-14. Review status: criteria provided, single submitter. Criteria: Ambry Variant Classification Scheme 2023. Collection method: clinical testing. Allele origin: germline.

NM_016292.3(TRAP1):c.1945G>A (p.Ala649Thr)

Genes: DNASE1 (deoxyribonuclease 1; plus strand), TRAP1 (TNF receptor associated protein 1; minus strand). Cytogenetic location: 16p13.3.
Variant type: single nucleotide variant.
Coding change: c.1945G>A on transcript NM_016292.3 (MANE Select); coding-DNA position 1945, G replaced by A.
Protein change: p.Ala649Thr; replaces alanine 649 with threonine.
Molecular consequence: missense variant. On other transcripts: intron variant (1).
Genome position (GRCh38, 1-based): chr16:3,658,861, C>T on the plus strand (G>A on the coding strand, the complement: TRAP1 is on the minus strand). VCF-style: chr16-3658861-C-T. GRCh37 (hg19) VCF-style: chr16-3708862-C-T.
Other names: c.1786G>A, p.Ala596Thr (NM_001272049.2); c.*21+994C>T (NM_001387140.1); short protein forms A649T, A596T.
Identifiers: ClinVar variation 2402832 (VCV002402832.3), dbSNP rs774864487, ClinGen allele CA7867722.